The following is an entry in ClinVar:

NM_003482.4(KMT2D):c.15566del (p.Gly5189fs)

Gene: KMT2D (lysine methyltransferase 2D; minus strand). Cytogenetic location: 12q13.12.
Variant type: Deletion.
Coding change: c.15566del on transcript NM_003482.4 (MANE Select); coding-DNA position 15566, one base deleted (G; older notation c.15566delG).
Protein change: p.Gly5189fs; shifts the reading frame from glycine 5189.
Molecular consequence: frameshift variant.
Genome position (GRCh38, 1-based): chr12:49,026,400, C deleted on the plus strand (G on the coding strand, the reverse complement: KMT2D is on the minus strand); the first of 2 consecutive C bases (chr12:49,026,400-49,026,401); deleting either gives the same sequence. VCF-style (leftmost placement, unchanged base first): chr12-49026399-TC-T. GRCh37 (hg19) VCF-style: chr12-49420182-TC-T.
Other names: c.15566delG (NM_003482.3); short protein forms G5189fs.
Identifiers: ClinVar variation 3349487 (VCV003349487.1).
Genomic context (GRCh38, chr12:49,026,399, plus strand): 5'-GCCCACGGGATAGAGGGCAGTGGCACTATGAAAGTCAGCCATCTGGTGAGGCAGCAGCTG[TC>T]CGATGGCGTGGAACACAAGGCCCCCCACACGGAACATGTGCAGCCGTTCTCCCCGCTGAA-3'

ClinVar aggregate classification (germline): Likely pathogenic (0 of 4 stars; one submission).

Conditions:
KMT2D-related disorder. Also called: KMT2D-Related Disorders.

Submission:

PreventionGenetics, part of Exact Sciences
Classification: Likely pathogenic for KMT2D-related condition. Last evaluated: 2024-04-06. Review status: no assertion criteria provided. Collection method: clinical testing. Allele origin: germline.
Comment: The KMT2D c.15566delG variant is predicted to result in a frameshift and premature protein termination (p.Gly5189Aspfs*54). To our knowledge, this variant has not been reported in the literature or in a large population database, indicating this variant is rare. Frameshift variants in KMT2D are expected to be pathogenic. This variant is interpreted as likely pathogenic.